The following is an entry in ClinVar:

ClinVar aggregate classification (germline): Uncertain significance. Review status: criteria provided, multiple submitters, no conflicts (2 of 4 stars). 2 submissions from 2 submitters: Uncertain significance (2). Last evaluated 2021-03-20.

Conditions:
Familial cancer of breast. Also called: BREAST CANCER, FAMILIAL; Hereditary breast cancer; hereditary breast carcinoma. Identifiers: Orphanet 227535, MedGen C0346153, MONDO:0016419, OMIM 114480. Disease mechanism: loss of function.
Hereditary cancer-predisposing syndrome. Also called: Neoplastic Syndromes, Hereditary; Tumor predisposition; Hereditary Cancer Syndrome; Hereditary neoplastic syndrome. Identifiers: Orphanet 140162, MedGen C0027672, MeSH D009386, MONDO:0015356.

Submissions (2):

Labcorp Genetics (formerly Invitae), Labcorp
Classification: Uncertain significance for Familial cancer of breast. Last evaluated: 2021-03-20. Review status: criteria provided, single submitter. Criteria: Invitae Variant Classification Sherloc (09022015). Collection method: clinical testing. Allele origin: germline.
Comment: This variant is not present in population databases (ExAC no frequency). This sequence change replaces glutamine with histidine at codon 759 of the PALB2 protein (p.Gln759His). The glutamine residue is moderately conserved and there is a small physicochemical difference between glutamine and histidine. This variant has not been reported in the literature in individuals with PALB2-related conditions. ClinVar contains an entry for this variant (Variation ID: 821009). Algorithms developed to predict the effect of missense changes on protein structure and function output the following: SIFT: "Tolerated"; PolyPhen-2: "Benign"; Align-GVGD: "Class C0". The histidine amino acid residue is found in multiple mammalian species, suggesting that this missense change does not adversely affect protein function. These predictions have not been confirmed by published functional studies and their clinical significance is uncertain. In summary, the available evidence is currently insufficient to determine the role of this variant in disease. Therefore, it has been classified as a Variant of Uncertain Significance.

Ambry Genetics
Classification: Uncertain significance for Hereditary cancer-predisposing syndrome. Last evaluated: 2018-05-29. Review status: criteria provided, single submitter. Criteria: Ambry Variant Classification Scheme 2023. Collection method: clinical testing. Allele origin: germline.
Comment: The p.Q759H variant (also known as c.2277A>C), located in coding exon 5 of the PALB2 gene, results from an A to C substitution at nucleotide position 2277. The glutamine at codon 759 is replaced by histidine, an amino acid with highly similar properties. This amino acid position is poorly conserved in available vertebrate species. In addition, this alteration is predicted to be tolerated by in silico analysis. Since supporting evidence is limited at this time, the clinical significance of this alteration remains unclear.

NM_024675.4(PALB2):c.2277A>C (p.Gln759His)

Gene: PALB2 (partner and localizer of BRCA2; minus strand). Cytogenetic location: 16p12.2.
Variant type: single nucleotide variant.
Coding change: c.2277A>C on transcript NM_024675.4 (MANE Select); coding-DNA position 2277, A replaced by C.
Protein change: p.Gln759His; replaces glutamine 759 with histidine.
Molecular consequence: missense variant.
Genome position (GRCh38, 1-based): chr16:23,629,877, T>G on the plus strand (A>C on the coding strand, the complement: PALB2 is on the minus strand). VCF-style: chr16-23629877-T-G. GRCh37 (hg19) VCF-style: chr16-23641198-T-G.
Other names: short protein forms Q759H.
Identifiers: ClinVar variation 821009 (VCV000821009.13), dbSNP rs786202524, ClinGen allele CA395125369.
Genomic context (GRCh38, chr16:23,629,877, plus strand): 5'-TGAACTGTCGAATTGTTTAGTATCACTGGCAAGACAGACTGAGTCTTTCAAATGAGCAAG[T>G]TGGGGTGTGCAGCAAGTTCGTCCAGCAACTTCTGTAGATGCTTTTTCATAGGAGCCTTGA-3'
Protein context (NP_078951.2, residues 749-769): EVAGRTCCTP[Gln759His]LAHLKDSVCL